The following is an entry in ClinVar:

ClinVar aggregate classification (germline): Benign. Review status: criteria provided, multiple submitters, no conflicts (2 of 4 stars). 2 submissions from 2 submitters: Benign (2). Last evaluated 2018-06-19.

Allele frequency attached by ClinVar (database versions not stated): 1000 Genomes Project 30x 0.02701; 1000 Genomes Project 0.02815; TOPMed 0.04323; gnomAD 0.04768 and 0.04905; gnomAD exomes 0.05643.
gnomAD v4.1: 77,417 of 1,394,546 alleles (5.6%); highest among the groups gnomAD compares: Middle Eastern, 9%; 2,667 homozygotes.

Submissions (2):

GeneDx
Classification: Benign. Last evaluated: 2018-06-19. Review status: criteria provided, single submitter. Criteria: GeneDx Variant Classification (06012015). Collection method: clinical testing. Allele origin: germline. Affected: yes.
Comment: This variant is considered likely benign or benign based on one or more of the following criteria: it is a conservative change, it occurs at a poorly conserved position in the protein, it is predicted to be benign by multiple in silico algorithms, and/or has population frequency not consistent with disease.

Breakthrough Genomics
Classification: Benign. Review status: criteria provided, single submitter. Criteria: ACMG Guidelines, 2015. Collection method: not provided. Allele origin: germline. Inheritance: Autosomal recessive inheritance. Affected: yes.

NM_001843.4(CNTN1):c.1683+67A>G

Gene: CNTN1 (contactin 1; plus strand). Cytogenetic location: 12q12.
Variant type: single nucleotide variant.
Coding change: c.1683+67A>G on transcript NM_001843.4 (MANE Select); 67 bases into the intron after coding-DNA position 1683, A replaced by G.
Molecular consequence: intron variant.
Genome position (GRCh38, 1-based): chr12:40,944,237, A>G. VCF-style: chr12-40944237-A-G. GRCh37 (hg19) VCF-style: chr12-41338039-A-G.
Other names: c.1683+67A>G (NM_001256063.2, NM_001256064.2); c.1650+67A>G (NM_175038.2).
Identifiers: ClinVar variation 680159 (VCV000680159.2), dbSNP rs117742571, ClinGen allele CA235406574.